The following is an entry in ClinVar:

ClinVar aggregate classification (germline): Uncertain significance. Review status: criteria provided, multiple submitters, no conflicts (2 of 4 stars). 2 submissions from 2 submitters: Uncertain significance (2). Last evaluated 2025-10-02.

Conditions:
Inborn genetic diseases. Identifiers: MedGen C0950123, MeSH D030342.

gnomAD v4.1: 2 of 1,594,568 alleles (0.00013%); highest among the groups gnomAD compares: Non-Finnish European, 0.00017%; no homozygotes.

Submissions (2):

Ambry Genetics
Classification: Uncertain significance for Inborn genetic diseases. Last evaluated: 2025-10-02. Review status: criteria provided, single submitter. Criteria: Ambry Variant Classification Scheme 2023. Collection method: clinical testing. Allele origin: germline.

Labcorp Genetics (formerly Invitae), Labcorp
Classification: Uncertain significance. Last evaluated: 2022-06-26. Review status: criteria provided, single submitter. Criteria: Invitae Variant Classification Sherloc (09022015). Collection method: clinical testing. Allele origin: germline.
Comment: Algorithms developed to predict the effect of missense changes on protein structure and function are either unavailable or do not agree on the potential impact of this missense change (SIFT: "Not Available"; PolyPhen-2: "Benign"; Align-GVGD: "Not Available"). In summary, the available evidence is currently insufficient to determine the role of this variant in disease. Therefore, it has been classified as a Variant of Uncertain Significance. This variant has not been reported in the literature in individuals affected with TCF3-related conditions. This variant is not present in population databases (gnomAD no frequency). This sequence change replaces glycine, which is neutral and non-polar, with alanine, which is neutral and non-polar, at codon 444 of the TCF3 protein (p.Gly444Ala).

NM_003200.5(TCF3):c.1331G>C (p.Gly444Ala)

Gene: TCF3 (transcription factor 3; minus strand). Cytogenetic location: 19p13.3.
Variant type: single nucleotide variant.
Coding change: c.1331G>C on transcript NM_003200.5 (MANE Select); coding-DNA position 1331, G replaced by C.
Protein change: p.Gly444Ala; replaces glycine 444 with alanine.
Molecular consequence: missense variant.
Genome position (GRCh38, 1-based): chr19:1,619,230, C>G on the plus strand (G>C on the coding strand, the complement: TCF3 is on the minus strand). VCF-style: chr19-1619230-C-G. GRCh37 (hg19) VCF-style: chr19-1619229-C-G.
Other names: c.1331G>C (NM_003200.3); c.1331G>C, p.Gly444Ala (NM_001136139.4, NM_001351779.2); c.1328G>C, p.Gly443Ala (NM_001351778.2); short protein forms G444A, G443A.
Identifiers: ClinVar variation 2104917 (VCV002104917.5), dbSNP rs1301050577, ClinGen allele CA403052519.